The following is an entry in ClinVar:

NM_006904.7(PRKDC):c.1133C>T (p.Ala378Val)

Gene: PRKDC (protein kinase, DNA-activated, catalytic subunit; minus strand). Cytogenetic location: 8q11.21.
Variant type: single nucleotide variant.
Coding change: c.1133C>T on transcript NM_006904.7 (MANE Select); coding-DNA position 1133, C replaced by T.
Protein change: p.Ala378Val; replaces alanine 378 with valine.
Molecular consequence: missense variant.
Genome position (GRCh38, 1-based): chr8:47,936,498, G>A on the plus strand (C>T on the coding strand, the complement: PRKDC is on the minus strand). VCF-style: chr8-47936498-G-A. GRCh37 (hg19) VCF-style: chr8-48849058-G-A.
Other names: c.1133C>T, p.Ala378Val (NM_001081640.2); short protein forms A378V.
Identifiers: ClinVar variation 657296 (VCV000657296.10), dbSNP rs760093098, ClinGen allele CA4741802.
Genomic context (GRCh38, chr8:47,936,498, plus strand): 5'-GTGAGGAACATCTGCTTGCAGCGCTGAATGAGCTCAACGTACATGAAGTCAACATCTTTT[G>A]CGTTTATAACCTTGCACGGCTTTAGAAAAGGTAAAACAGAAGTCTTCATCAATCTTATCA-3'
Protein context (NP_008835.5, residues 368-388): LFAGPCKVIN[Ala378Val]KDVDFMYVEL

ClinVar aggregate classification (germline): Uncertain significance. Review status: criteria provided, multiple submitters, no conflicts (2 of 4 stars). 2 submissions from 2 submitters: Uncertain significance (2). Last evaluated 2024-11-07.

Conditions:
Severe combined immunodeficiency due to DNA-PKcs deficiency. Also called: IMMUNODEFICIENCY 26 WITH NEUROLOGIC ABNORMALITIES; Immunodeficiency 26 with or without neurologic abnormalities. Identifiers: Orphanet 317425, MedGen C4014833, MONDO:0014423, OMIM 615966.

Allele frequency attached by ClinVar (database versions not stated): gnomAD exomes 0.00001; ExAC 0.00002.
gnomAD v4.1: 6 of 1,613,954 alleles (0.00037%); highest among the groups gnomAD compares: Non-Finnish European, 0.00051%; no homozygotes.

Submissions (2):

Labcorp Genetics (formerly Invitae), Labcorp
Classification: Uncertain significance for Severe combined immunodeficiency due to DNA-PKcs deficiency. Last evaluated: 2024-11-07. Review status: criteria provided, single submitter. Criteria: Invitae Variant Classification Sherloc (09022015). Collection method: clinical testing. Allele origin: germline.
Comment: This sequence change replaces alanine, which is neutral and non-polar, with valine, which is neutral and non-polar, at codon 378 of the PRKDC protein (p.Ala378Val). This variant is present in population databases (rs760093098, gnomAD 0.002%). This variant has not been reported in the literature in individuals affected with PRKDC-related conditions. ClinVar contains an entry for this variant (Variation ID: 657296). Invitae Evidence Modeling of protein sequence and biophysical properties (such as structural, functional, and spatial information, amino acid conservation, physicochemical variation, residue mobility, and thermodynamic stability) has been performed for this missense variant. However, the output from this modeling did not meet the statistical confidence thresholds required to predict the impact of this variant on PRKDC protein function. In summary, the available evidence is currently insufficient to determine the role of this variant in disease. Therefore, it has been classified as a Variant of Uncertain Significance.

Ambry Genetics
Classification: Uncertain significance. Last evaluated: 2021-09-01. Review status: criteria provided, single submitter. Criteria: Ambry Variant Classification Scheme 2023. Collection method: clinical testing. Allele origin: germline.
Comment: The p.A378V variant (also known as c.1133C>T), located in coding exon 12 of the PRKDC gene, results from a C to T substitution at nucleotide position 1133. The alanine at codon 378 is replaced by valine, an amino acid with similar properties. This amino acid position is conserved. In addition, this alteration is predicted to be tolerated by in silico analysis. Since supporting evidence is limited at this time, the clinical significance of this alteration remains unclear.